The following is an entry in ClinVar:

NM_001845.6(COL4A1):c.1745A>T (p.Lys582Ile)

Gene: COL4A1 (collagen type IV alpha 1 chain; minus strand). Cytogenetic location: 13q34.
Variant type: single nucleotide variant.
Coding change: c.1745A>T on transcript NM_001845.6 (MANE Select); coding-DNA position 1745, A replaced by T.
Protein change: p.Lys582Ile; replaces lysine 582 with isoleucine.
Molecular consequence: missense variant.
Genome position (GRCh38, 1-based): chr13:110,186,537, T>A on the plus strand (A>T on the coding strand, the complement: COL4A1 is on the minus strand). VCF-style: chr13-110186537-T-A. GRCh37 (hg19) VCF-style: chr13-110838884-T-A.
Other names: short protein forms K582I.
Identifiers: ClinVar variation 3640408 (VCV003640408.2).
Genomic context (GRCh38, chr13:110,186,537, plus strand): 5'-GGGCCGGTGTCACCACGACTGCCTGGGAATCCAACTCCTCCAGGGGGGCCACGCTCTCCT[T>A]TCAATCCTACAGAACCCTGATGTGAGAAGAAGAAAAAGACACCGTTATCAGAGACACACC-3'
Protein context (NP_001836.3, residues 572-592): PKGSPGSVGL[Lys582Ile]GERGPPGGVG

ClinVar aggregate classification (germline): Uncertain significance (1 of 4 stars; one submission).

Submission:

Labcorp Genetics (formerly Invitae), Labcorp
Classification: Uncertain significance. Last evaluated: 2024-02-13. Review status: criteria provided, single submitter. Criteria: Invitae Variant Classification Sherloc (09022015). Collection method: clinical testing. Allele origin: germline.
Comment: This sequence change replaces lysine, which is basic and polar, with isoleucine, which is neutral and non-polar, at codon 582 of the COL4A1 protein (p.Lys582Ile). This variant is not present in population databases (gnomAD no frequency). This variant has not been reported in the literature in individuals affected with COL4A1-related conditions. An algorithm developed to predict the effect of missense changes on protein structure and function (PolyPhen-2) suggests that this variant is likely to be tolerated. In summary, the available evidence is currently insufficient to determine the role of this variant in disease. Therefore, it has been classified as a Variant of Uncertain Significance.